The following is an entry in ClinVar:

ClinVar aggregate classification (germline): Uncertain significance (1 of 4 stars; one submission).

Conditions:
BBS1-related disorder. Also called: BBS1-related condition.

gnomAD v4.1: 1 of 1,614,196 alleles (0.000062%); highest among the groups gnomAD compares: African/African-American, 0.0013%; no homozygotes.

Submission:

PreventionGenetics, part of Exact Sciences
Classification: Uncertain significance for BBS1-related condition. Last evaluated: 2026-09-04. Review status: criteria provided, single submitter. Criteria: ACMG Guidelines, 2015. Collection method: clinical testing. Allele origin: germline.
Comment: The BBS1 c.1253C>G variant is predicted to result in the amino acid substitution p.Pro418Arg. To our knowledge, this variant has not been reported in the literature or in a large population database (gnomAD), indicating this variant is rare. At this time, the clinical significance of this variant is uncertain due to the absence of conclusive functional and genetic evidence.

NM_024649.5(BBS1):c.1253C>G (p.Pro418Arg)

Genes: BBS1 (Bardet-Biedl syndrome 1; plus strand), ZDHHC24 (zDHHC palmitoyltransferase 24; minus strand). Cytogenetic location: 11q13.2.
Variant type: single nucleotide variant.
Coding change: c.1253C>G on transcript NM_024649.5 (MANE Select); coding-DNA position 1253, C replaced by G.
Protein change: p.Pro418Arg; replaces proline 418 with arginine.
Molecular consequence: missense variant. On other transcripts: intron variant (1).
Genome position (GRCh38, 1-based): chr11:66,526,721, C>G. VCF-style: chr11-66526721-C-G. GRCh37 (hg19) VCF-style: chr11-66294192-C-G.
Other names: c.*21+215G>C (NM_001348571.2); short protein forms P418R.
Identifiers: ClinVar variation 4982075 (VCV004982075.1).
Genomic context (GRCh38, chr11:66,526,721, plus strand): 5'-TCATCAAGATCCTGAAGCGTACAGCAGTGTTTGTAGAGGGAGGAAGTGAGGTGGGTCCCC[C>G]ACCAGCCCAGGCCATGAAACTCAATGTGCCCCGAAAGACCCGGCTTTACGTGGATCAGAC-3'
Protein context (NP_078925.3, residues 408-428): FVEGGSEVGP[Pro418Arg]PAQAMKLNVP